The following is an entry in ClinVar:

ClinVar aggregate classification (germline): Pathogenic. Review status: reviewed by expert panel (3 of 4 stars). 7 submissions from 7 submitters: Pathogenic (1). 6 of the submissions do not count toward it. Last evaluated 2016-09-08.

Conditions:
Hereditary cancer-predisposing syndrome. Also called: Tumor predisposition; Neoplastic Syndromes, Hereditary; Hereditary Cancer Syndrome; Hereditary neoplastic syndrome. Identifiers: Orphanet 140162, MedGen C0027672, MeSH D009386, MONDO:0015356.
Hereditary breast ovarian cancer syndrome. Also called: Hereditary breast and ovarian cancer syndrome (HBOC); Hereditary breast and ovarian cancer syndrome; Hereditary breast and ovarian cancer; Hereditary breast and/or ovarian cancer syndrome; Breast and ovarian cancer; BRCA1- and BRCA2-Associated Hereditary Breast and Ovarian Cancer. Identifiers: Orphanet 145, MedGen C0677776, MeSH D061325, MONDO:0003582. Disease mechanism: loss of function.
Breast-ovarian cancer, familial, susceptibility to, 1 (BROVCA1). Also called: OVARIAN CANCER, SUSCEPTIBILITY TO; BRCA1 Hereditary Breast and Ovarian Cancer. Identifiers: Orphanet 145, MedGen C2676676, MONDO:0011450, OMIM 604370. Disease mechanism: loss of function.

Submissions (7):

Evidence-based Network for the Interpretation of Germline Mutant Alleles (ENIGMA)
Classification: Pathogenic for Breast-ovarian cancer, familial, susceptibility to, 1. Last evaluated: 2016-09-08. Review status: reviewed by expert panel. Criteria: ENIGMA BRCA1/2 Classification Criteria (2015). Collection method: curation. Allele origin: germline.
Comment: Variant allele predicted to encode a truncated non-functional protein.

Labcorp Genetics (formerly Invitae), Labcorp
Classification: Pathogenic for Hereditary breast ovarian cancer syndrome. Last evaluated: 2024-04-17. Review status: criteria provided, single submitter. Criteria: Invitae Variant Classification Sherloc (09022015). Collection method: clinical testing. Allele origin: germline. Not counted in ClinVar's aggregate classification.
Comment: This sequence change creates a premature translational stop signal (p.Gln667*) in the BRCA1 gene. It is expected to result in an absent or disrupted protein product. Loss-of-function variants in BRCA1 are known to be pathogenic (PMID: 20104584). This variant is not present in population databases (gnomAD no frequency). This premature translational stop signal has been observed in individual(s) with BRCA1-related conditions (PMID: 21520333). ClinVar contains an entry for this variant (Variation ID: 54430). For these reasons, this variant has been classified as Pathogenic.

Color Diagnostics, LLC DBA Color Health
Classification: Pathogenic for Hereditary cancer-predisposing syndrome. Last evaluated: 2021-09-15. Review status: criteria provided, single submitter. Criteria: ACMG Guidelines, 2015. Collection method: clinical testing. Allele origin: germline. Not counted in ClinVar's aggregate classification.
Comment: This variant changes 1 nucleotide in exon 10 of the BRCA1 gene, creating a premature translation stop signal. This variant is expected to result in an absent or non-functional protein product. This variant has not been identified in the general population by the Genome Aggregation Database (gnomAD). Loss of BRCA1 function is a known mechanism of disease. Based on the available evidence, this variant is classified as Pathogenic.

ARUP Laboratories, Molecular Genetics and Genomics, ARUP Laboratories
Classification: Pathogenic. Last evaluated: 2018-09-17. Review status: criteria provided, single submitter. Criteria: ARUP Molecular Germline Variant Investigation Process. Collection method: clinical testing. Allele origin: germline. Not counted in ClinVar's aggregate classification.
Comment: The BRCA1 c.1999C>T; p.Gln667Ter variant (rs80356889), to our knowledge, is not reported in the medical literature or in gene-specific databases. The variant is reported as pathogenic by several sources in the ClinVar database (Variation ID: 54430) and is absent general population databases (1000 Genomes Project, Exome Variant Server, and Genome Aggregation Database), indicating it is not a common polymorphism. This variant induces an early termination codon and is predicted to result in a truncated protein or mRNA subject to nonsense-mediated decay. Considering available information, this variant is classified as pathogenic.

Ambry Genetics
Classification: Pathogenic for Hereditary cancer-predisposing syndrome. Last evaluated: 2018-09-10. Review status: criteria provided, single submitter. Criteria: Ambry Variant Classification Scheme 2023. Collection method: clinical testing. Allele origin: germline. Not counted in ClinVar's aggregate classification.
Comment: The p.Q667* pathogenic mutation (also known as c.1999C>T), located in coding exon 9 of the BRCA1 gene, results from a C to T substitution at nucleotide position 1999. This changes the amino acid from a glutamine to a stop codon within coding exon 9. This alteration is expected to result in loss of function by premature protein truncation or nonsense-mediated mRNA decay. As such, this alteration is interpreted as a disease-causing mutation.

GeneDx
Classification: Pathogenic. Last evaluated: 2016-02-18. Review status: criteria provided, single submitter. Criteria: GeneDx Variant Classification (06012015). Collection method: clinical testing. Allele origin: germline. Affected: yes. Not counted in ClinVar's aggregate classification.
Comment: This variant is denoted BRCA1 c.1999C>T at the cDNA level and p.Gln667Ter (Q667X) at the protein level. Using alternate nomenclature, this variant would be defined as BRCA1 2118C>T. The substitution creates a nonsense variant, which changes a Glutamine to a premature stop codon (CAA>TAA), and is predicted to cause loss of normal protein function through either protein truncation or nonsense-mediated mRNA decay. Although this variant has not, to our knowledge, been reported in the literature, it is considered pathogenic.

Breast Cancer Information Core (BIC) (BRCA1)
Classification: Pathogenic for Breast-ovarian cancer, familial 1. Last evaluated: 2002-05-29. Review status: no assertion criteria provided. Collection method: clinical testing. Allele origin: germline. Affected: yes. Observed: 1 variant allele. Not counted in ClinVar's aggregate classification.

Literature cited by the submitters: PubMed 20104584 (cited by Labcorp Genetics (formerly Invitae), Labcorp); PubMed 21520333 (cited by Labcorp Genetics (formerly Invitae), Labcorp); PubMed 32806537 (cited by Color Diagnostics, LLC DBA Color Health).

NM_007294.4(BRCA1):c.1999C>T (p.Gln667Ter)

Gene: BRCA1 (BRCA1 DNA repair associated; minus strand). Cytogenetic location: 17q21.31.
Variant type: single nucleotide variant.
Coding change: c.1999C>T on transcript NM_007294.4 (MANE Select); coding-DNA position 1999, C replaced by T.
Protein change: p.Gln667Ter; replaces glutamine 667 with a stop codon.
Molecular consequence: nonsense. On other transcripts: intron variant (137).
Genome position (GRCh38, 1-based): chr17:43,093,532, G>A on the plus strand (C>T on the coding strand, the complement: BRCA1 is on the minus strand). VCF-style: chr17-43093532-G-A. GRCh37 (hg19) VCF-style: chr17-41245549-G-A.
Other names: c.1999C>T, p.Gln667Ter (NM_001407854.1, NM_001407858.1, NM_001407859.1 and 30 more transcripts); c.1996C>T, p.Gln666Ter (NM_001407860.1, NM_001407861.1, NM_001407587.1 and 22 more transcripts); c.1798C>T, p.Gln600Ter (NM_001407862.1); c.1876C>T, p.Gln626Ter (NM_001407863.1, NM_001407919.1, NM_001407937.1 and 19 more transcripts); c.1795C>T, p.Gln599Ter (NM_001407874.1, NM_001407875.1); c.1789C>T, p.Gln597Ter (NM_001407879.1, NM_001407881.1, NM_001407882.1 and 13 more transcripts); c.1786C>T, p.Gln596Ter (NM_001407894.1, NM_001407895.1, NM_001407896.1 and 9 more transcripts); c.1735C>T, p.Gln579Ter (NM_001407920.1, NM_001407921.1, NM_001407922.1 and 9 more transcripts); and 40 more; short protein forms Q667*, Q620*, Q555*, Q556*, Q596*, Q640*, Q641*, Q371*.
Identifiers: ClinVar variation 54430 (VCV000054430.30), dbSNP rs80356889, ClinGen allele CA001326.